The following is an entry in ClinVar:

NM_000169.3(GLA):c.1214G>T (p.Ser405Ile)

Genes: GLA (galactosidase alpha; minus strand), RPL36A-HNRNPH2 (RPL36A-HNRNPH2 readthrough; plus strand). Cytogenetic location: Xq22.1.
Variant type: single nucleotide variant.
Coding change: c.1214G>T on transcript NM_000169.3 (MANE Select); coding-DNA position 1214, G replaced by T.
Protein change: p.Ser405Ile; replaces serine 405 with isoleucine.
Molecular consequence: missense variant. On other transcripts: non-coding transcript variant (3), intron variant (2).
Genome position (GRCh38, 1-based): chrX:101,397,885, C>A on the plus strand (G>T on the coding strand, the complement: GLA is on the minus strand). VCF-style: chrX-101397885-C-A. GRCh37 (hg19) VCF-style: chrX-100652873-C-A.
Other names: c.1337G>T, p.Ser446Ile (NM_001406747.1); c.300+2428C>A (NM_001199973.2); c.177+6063C>A (NM_001199974.2); short protein forms S405I, S446I.
Identifiers: ClinVar variation 4974858 (VCV004974858.1).

ClinVar aggregate classification (germline): Uncertain significance (1 of 4 stars; one submission).

Conditions:
Fabry disease. Also called: Fabry's disease; ALPHA-GALACTOSIDASE A DEFICIENCY; ANDERSON-FABRY DISEASE; CERAMIDE TRIHEXOSIDASE DEFICIENCY; GLA DEFICIENCY; HEREDITARY DYSTOPIC LIPIDOSIS. Identifiers: Orphanet 324, MedGen C0002986, MONDO:0010526, OMIM 301500, HP:0001071. Disease mechanism: Fabry disease is due to inactivating mutations in the X-linked GLA gene resulting in deficiency of the enzyme Alpha Galactosidase-A., loss of function.

Submission:

Genomenon, Inc
Classification: Uncertain significance for Fabry disease. Last evaluated: 2026-09-08. Review status: criteria provided, single submitter. Criteria: Genomenon Sequence Variant Interpretation Standards - Updated. Collection method: curation. Allele origin: germline. Affected: no.
Comment: GLA p.Ser405Ile (c.1214G>T) is a missense variant that changes the amino acid at codon 405 from Serine to Isoleucine. This variant has been reported in the published literature (PMID:39468034). It is absent or not present at a significant frequency in gnomAD. In conclusion, we classify GLA p.Ser405Ile (c.1214G>T) as a variant of uncertain significance.

Literature cited by the submitters: PubMed 39468034.